The following is an entry in ClinVar:

ClinVar aggregate classification (germline): Benign/Likely benign. Review status: criteria provided, multiple submitters, no conflicts (2 of 4 stars). 4 submissions from 4 submitters: Benign (1); Likely benign (3). Last evaluated 2025-01-27.

Conditions:
Hereditary nonpolyposis colorectal neoplasms. Identifiers: MedGen C0009405, MeSH D003123.
Lynch syndrome 4 (LYNCH4). Also called: Colorectal cancer, hereditary nonpolyposis, type 4; Hereditary non-polyposis colorectal cancer, type 4. Identifiers: Orphanet 144, MedGen C1838333, MONDO:0013699, OMIM 614337. Disease mechanism: loss of function.
Hereditary cancer-predisposing syndrome. Also called: Neoplastic Syndromes, Hereditary; Tumor predisposition; Hereditary Cancer Syndrome; Hereditary neoplastic syndrome. Identifiers: Orphanet 140162, MedGen C0027672, MeSH D009386, MONDO:0015356.

Allele frequency attached by ClinVar (database versions not stated): gnomAD exomes below 0.00001; ExAC 0.00001; gnomAD 0.00001.
gnomAD v4.1: 1 of 1,613,888 alleles (0.000062%); highest among the groups gnomAD compares: Admixed American, 0.0017%; no homozygotes.

Submissions (4):

Myriad Genetics, Inc.
Classification: Benign for Lynch syndrome 4. Last evaluated: 2025-01-27. Review status: criteria provided, single submitter. Criteria: Myriad Autosomal Dominant, Autosomal Recessive and X-Linked Classification Criteria (2023). Collection method: clinical testing. Allele origin: unknown.
Comment: This variant is considered benign. This variant is a silent/synonymous amino acid change and it is not expected to impact splicing.

Labcorp Genetics (formerly Invitae), Labcorp
Classification: Likely benign for Hereditary nonpolyposis colorectal neoplasms. Last evaluated: 2024-02-04. Review status: criteria provided, single submitter. Criteria: Invitae Variant Classification Sherloc (09022015). Collection method: clinical testing. Allele origin: germline.

Color Diagnostics, LLC DBA Color Health
Classification: Likely benign for Hereditary cancer-predisposing syndrome. Last evaluated: 2021-03-15. Review status: criteria provided, single submitter. Criteria: ACMG Guidelines, 2015. Collection method: clinical testing. Allele origin: germline.

Ambry Genetics
Classification: Likely benign for Hereditary cancer-predisposing syndrome. Last evaluated: 2017-08-14. Review status: criteria provided, single submitter. Criteria: Ambry Variant Classification Scheme 2023. Collection method: clinical testing. Allele origin: germline.

NM_000535.7(PMS2):c.573C>T (p.Tyr191=)

Gene: PMS2 (PMS1 homolog 2, mismatch repair system component; minus strand). Cytogenetic location: 7p22.1.
Variant type: single nucleotide variant.
Coding change: c.573C>T on transcript NM_000535.7 (MANE Select); coding-DNA position 573, C replaced by T.
Protein change: p.Tyr191=; no amino-acid change (tyrosine 191 retained).
Molecular consequence: synonymous variant. On other transcripts: non-coding transcript variant (1), intron variant (3).
Genome position (GRCh38, 1-based): chr7:5,999,240, G>A on the plus strand (C>T on the coding strand, the complement: PMS2 is on the minus strand). VCF-style: chr7-5999240-G-A. GRCh37 (hg19) VCF-style: chr7-6038871-G-A.
Other names: c.168C>T, p.Tyr56= (NM_001322003.2, NM_001322004.2, NM_001322005.2 and 2 more transcripts); c.573C>T, p.Tyr191= (NM_001322006.2, NM_001322014.2); c.255C>T, p.Tyr85= (NM_001322007.2, NM_001322008.2); c.264C>T, p.Tyr88= (NM_001322015.2); c.133-1817C>T (NM_001322013.2); c.-347-14C>T (NM_001322012.2, NM_001322011.2).
Identifiers: ClinVar variation 484326 (VCV000484326.17), dbSNP rs761134229, ClinGen allele CA050379.
Genomic context (GRCh38, chr7:5,999,240, plus strand): 5'-TCGTTTTCCTTGTCCAAGCTGATTGGTGCAACTTACACGGATGCCTGCTGAAATGATACA[G>A]TATGCATGTAAGACCTGGACCATTTTGGCATACTCCTGTTTAAAAAACACAAACACAATA-3'
Protein context (NP_000526.2, residues 181-201): YAKMVQVLHA[Tyr191=]CIISAGIRVS